The following is an entry in ClinVar:

NM_014714.4(IFT140):c.3727C>T (p.Gln1243Ter)

Gene: IFT140 (intraflagellar transport 140; minus strand). Cytogenetic location: 16p13.3.
Variant type: single nucleotide variant.
Coding change: c.3727C>T on transcript NM_014714.4 (MANE Select); coding-DNA position 3727, C replaced by T.
Protein change: p.Gln1243Ter; replaces glutamine 1243 with a stop codon.
Molecular consequence: nonsense.
Genome position (GRCh38, 1-based): chr16:1,520,277, G>A on the plus strand (C>T on the coding strand, the complement: IFT140 is on the minus strand). VCF-style: chr16-1520277-G-A. GRCh37 (hg19) VCF-style: chr16-1570278-G-A.
Other names: short protein forms Q1243*.
Identifiers: ClinVar variation 1391821 (VCV001391821.7), dbSNP rs2141144931, ClinGen allele CA394224541.

ClinVar aggregate classification (germline): Pathogenic/Likely pathogenic. Review status: criteria provided, multiple submitters, no conflicts (2 of 4 stars). 2 submissions from 2 submitters: Pathogenic (1); Likely pathogenic (1). Last evaluated 2025-04-16.

Conditions:
Saldino-Mainzer syndrome (SRTD9). Also called: Renal dysplasia, retinal pigmentary dystrophy, cerebellar ataxia and skeletal dysplasia; CONORENAL SYNDROME; SHORT-RIB THORACIC DYSPLASIA 9 WITHOUT POLYDACTYLY; short-rib thoracic dysplasia 9 with or without polydactyly. Identifiers: Orphanet 140969, MedGen C1849437, MONDO:0009964, OMIM 266920.
IFT140-related disorders.

Allele frequency attached by ClinVar (database versions not stated): gnomAD exomes below 0.00001.
gnomAD v4.1: 1 of 1,614,216 alleles (0.000062%); highest among the groups gnomAD compares: Non-Finnish European, 0.000085%; no homozygotes.

Submissions (2):

Labcorp Genetics (formerly Invitae), Labcorp
Classification: Pathogenic for Saldino-Mainzer syndrome. Last evaluated: 2025-04-16. Review status: criteria provided, single submitter. Criteria: Invitae Variant Classification Sherloc (09022015). Collection method: clinical testing. Allele origin: germline.
Comment: This sequence change creates a premature translational stop signal (p.Gln1243*) in the IFT140 gene. It is expected to result in an absent or disrupted protein product. Loss-of-function variants in IFT140 are known to be pathogenic (PMID: 22503633, 23418020, 24009529, 26216056). This variant is not present in population databases (gnomAD no frequency). This variant has not been reported in the literature in individuals affected with IFT140-related conditions. ClinVar contains an entry for this variant (Variation ID: 1391821). For these reasons, this variant has been classified as Pathogenic.

Blueprint Genetics
Classification: Likely pathogenic for IFT140-related disorders. Last evaluated: 2021-03-10. Review status: criteria provided, single submitter. Criteria: ACMG Guidelines, 2015. Collection method: clinical testing. Allele origin: germline. Affected: yes. Observed: 2 variant alleles.

Literature cited by the submitters: PubMed 22503633 (cited by Labcorp Genetics (formerly Invitae), Labcorp); PubMed 23418020 (cited by Labcorp Genetics (formerly Invitae), Labcorp); PubMed 24009529 (cited by Labcorp Genetics (formerly Invitae), Labcorp); PubMed 26216056 (cited by Labcorp Genetics (formerly Invitae), Labcorp).